The following is an entry in ClinVar:

ClinVar aggregate classification (germline): Uncertain significance (1 of 4 stars; one submission).

Conditions:
Dystonia 28, childhood-onset (DYT28). Also called: KMT2B-Related Dystonia (DYT-KMT2B). Identifiers: Orphanet 589618, MedGen C4310633, MONDO:0015004, OMIM 617284.

Submission:

Neuberg Centre For Genomic Medicine, NCGM
Classification: Uncertain significance for Dystonia 28, childhood-onset. Last evaluated: 2023-05-20. Review status: criteria provided, single submitter. Criteria: ACMG Guidelines, 2015. Collection method: clinical testing. Allele origin: germline. Inheritance: Autosomal dominant inheritance. Affected: yes.
Comment: The observed splice region variant c.6960-8C>T in KMT2B gene has not been reported previously as a pathogenic variant nor a benign variant, to our knowledge. The c.6960-8C>T variant is absent in gnomAD Exomes. This variant has not been reported to the ClinVar database. SpliceAI predicts this variant to cause splice acceptor gain (0.03). For these reasons, this variant has been classified as a Variant of Uncertain Significance (VUS).

NM_014727.3(KMT2B):c.6960-8C>T

Gene: KMT2B (lysine methyltransferase 2B; plus strand). Cytogenetic location: 19q13.12.
Variant type: single nucleotide variant.
Coding change: c.6960-8C>T on transcript NM_014727.3 (MANE Select); 8 bases into the intron before coding-DNA position 6960, C replaced by T.
Molecular consequence: intron variant.
Genome position (GRCh38, 1-based): chr19:35,733,589, C>T. VCF-style: chr19-35733589-C-T. GRCh37 (hg19) VCF-style: chr19-36224490-C-T.
Identifiers: ClinVar variation 3362380 (VCV003362380.3).